The following is an entry in ClinVar:

NM_182746.3(MCM4):c.2416A>G (p.Lys806Glu)

Gene: MCM4 (minichromosome maintenance complex component 4; plus strand). Cytogenetic location: 8q11.21.
Variant type: single nucleotide variant.
Coding change: c.2416A>G on transcript NM_182746.3 (MANE Select); coding-DNA position 2416, A replaced by G.
Protein change: p.Lys806Glu; replaces lysine 806 with glutamic acid.
Molecular consequence: missense variant.
Genome position (GRCh38, 1-based): chr8:47,975,765, A>G. VCF-style: chr8-47975765-A-G. GRCh37 (hg19) VCF-style: chr8-48888325-A-G.
Other names: c.2416A>G, p.Lys806Glu (NM_005914.4); short protein forms K806E.
Identifiers: ClinVar variation 3701204 (VCV003701204.2).
Genomic context (GRCh38, chr8:47,975,765, plus strand): 5'-TTTAAATCAGGGATGAGTGCCACCTCTCGTAAACGGAAAGAAGAATTAGCTGAAGCATTG[A>G]AAAAGCTTATTTTATCTAAGGGCAAAACACCAGCTCTAAAATACCAGCAACTTTTTGAAG-3'
Protein context (NP_877423.1, residues 796-816): KRKEELAEAL[Lys806Glu]KLILSKGKTP

ClinVar aggregate classification (germline): Uncertain significance (1 of 4 stars; one submission).

gnomAD v4.1: 26 of 1,586,584 alleles (0.0016%); highest among the groups gnomAD compares: East Asian, 0.06%; no homozygotes.

Submission:

Labcorp Genetics (formerly Invitae), Labcorp
Classification: Uncertain significance. Last evaluated: 2024-08-10. Review status: criteria provided, single submitter. Criteria: Invitae Variant Classification Sherloc (09022015). Collection method: clinical testing. Allele origin: germline.
Comment: This sequence change replaces lysine, which is basic and polar, with glutamic acid, which is acidic and polar, at codon 806 of the MCM4 protein (p.Lys806Glu). This variant is present in population databases (rs775169389, gnomAD 0.04%). This variant has not been reported in the literature in individuals affected with MCM4-related conditions. Advanced modeling of protein sequence and biophysical properties (such as structural, functional, and spatial information, amino acid conservation, physicochemical variation, residue mobility, and thermodynamic stability) performed at Invitae indicates that this missense variant is not expected to disrupt MCM4 protein function with a negative predictive value of 80%. In summary, the available evidence is currently insufficient to determine the role of this variant in disease. Therefore, it has been classified as a Variant of Uncertain Significance.